The following is an entry in ClinVar:

ClinVar aggregate classification (germline): Uncertain significance. Review status: criteria provided, multiple submitters, no conflicts (2 of 4 stars). 5 submissions from 5 submitters: Uncertain significance (4). 1 of the submissions does not count toward it. Last evaluated 2025-05-27.

Conditions:
Cardiovascular phenotype. Identifiers: MedGen CN230736.
Walker-Warburg congenital muscular dystrophy. Also called: Muscular dystrophy-dystroglycanopathy, type A; Walker-Warburg syndrome. Identifiers: Orphanet 899, MedGen C0265221, MONDO:0000171.
Dilated cardiomyopathy 1X (CMD1X). Also called: FKTN-Related Dilated Cardiomyopathy; CARDIOMYOPATHY, DILATED, WITH MILD OR NO PROXIMAL MUSCLE WEAKNESS. Identifiers: Orphanet 154, MedGen C1969024, MONDO:0012704, OMIM 611615.
Muscular dystrophy-dystroglycanopathy (congenital with brain and eye anomalies), type A, 4 (MDDGA4). Also called: Fukuyama congenital muscular dystrophy; Walker-Warburg Syndrome, Fktn-Related; Congenital muscular dystrophy-dystroglycanopathy with brain and eye anomalies, type A4; WALKER-WARBURG SYNDROME OR MUSCLE-EYE-BRAIN DISEASE, FKTN-RELATED; Muscular dystrophy, congenital progressive, with mental retardation; Muscular dystrophy, congenital, with central nervous system involvement. Identifiers: Orphanet 272, Orphanet 588, Orphanet 899, MedGen C0410174, MONDO:0009678, OMIM 253800.
Muscular dystrophy-dystroglycanopathy (congenital with brain and eye anomalies), type A1 (MDDGA1). Also called: WALKER-WARBURG SYNDROME OR MUSCLE-EYE-BRAIN DISEASE, POMT1-RELATED; Hydrocephalus, agyria and retinal dysplasia; Hard +/- E syndrome; Warburg syndrome; Chemke syndrome; Pagon syndrome. Identifiers: Orphanet 588, Orphanet 899, MedGen C4284790, MONDO:0009364, OMIM 236670.
Autosomal recessive limb-girdle muscular dystrophy type 2M. Also called: MUSCULAR DYSTROPHY, LIMB-GIRDLE, TYPE 2M; MUSCULAR DYSTROPHY-DYSTROGLYCANOPATHY (LIMB-GIRDLE), TYPE C, 4. Identifiers: Orphanet 206554, MedGen C1969040, MONDO:0012699, OMIM 611588.
Muscular dystrophy-dystroglycanopathy (congenital without impaired intellectual development), type B, 4. Also called: MUSCULAR DYSTROPHY, CONGENITAL, FKTN-RELATED; Muscular dystrophy-dystroglycanopathy (congenital without intellectual disability), type B4. Identifiers: MedGen C2751052, MONDO:0013156, OMIM 613152.

Allele frequency attached by ClinVar (database versions not stated): 1000 Genomes Project 0.00020; gnomAD 0.00001; 1000 Genomes Project 30x 0.00016.
gnomAD v4.1: 7 of 1,611,672 alleles (0.00043%); highest among the groups gnomAD compares: Non-Finnish European, 0.00059%; no homozygotes.

Submissions (5):

GeneDx
Classification: Uncertain significance. Last evaluated: 2025-05-27. Review status: criteria provided, single submitter. Criteria: GeneDx Variant Classification Process June 2021. Collection method: clinical testing. Allele origin: germline. Affected: yes.
Comment: Not observed at significant frequency in large population cohorts (gnomAD); In silico analysis suggests that this missense variant does not alter protein structure/function; Has not been previously published as pathogenic or benign to our knowledge

Ambry Genetics
Classification: Uncertain significance for Cardiovascular phenotype. Last evaluated: 2023-11-01. Review status: criteria provided, single submitter. Criteria: Ambry Variant Classification Scheme 2023. Collection method: clinical testing. Allele origin: germline.
Comment: The p.H237Q variant (also known as c.711C>G), located in coding exon 5 of the FKTN gene, results from a C to G substitution at nucleotide position 711. The histidine at codon 237 is replaced by glutamine, an amino acid with highly similar properties. This amino acid position is conserved. In addition, this alteration is predicted to be tolerated by in silico analysis. Since supporting evidence is limited at this time, the clinical significance of this alteration remains unclear.

Labcorp Genetics (formerly Invitae), Labcorp
Classification: Uncertain significance for Walker-Warburg congenital muscular dystrophy. Last evaluated: 2021-08-20. Review status: criteria provided, single submitter. Criteria: Invitae Variant Classification Sherloc (09022015). Collection method: clinical testing. Allele origin: germline.
Comment: This sequence change replaces histidine with glutamine at codon 237 of the FKTN protein (p.His237Gln). The histidine residue is weakly conserved and there is a small physicochemical difference between histidine and glutamine. This variant is not present in population databases (ExAC no frequency). This variant has not been reported in the literature in individuals affected with FKTN-related conditions. Algorithms developed to predict the effect of missense changes on protein structure and function (SIFT, PolyPhen-2, Align-GVGD) all suggest that this variant is likely to be tolerated. In summary, the available evidence is currently insufficient to determine the role of this variant in disease. Therefore, it has been classified as a Variant of Uncertain Significance.

Fulgent Genetics
Classification: Uncertain significance for Muscular dystrophy-dystroglycanopathy (congenital with brain and eye anomalies), type A1; Muscular dystrophy-dystroglycanopathy (congenital with brain and eye anomalies), type A, 4; Autosomal recessive limb-girdle muscular dystrophy type 2M; Dilated cardiomyopathy 1X; Muscular dystrophy-dystroglycanopathy (congenital without impaired intellectual development), type B, 4. Last evaluated: 2021-07-28. Review status: criteria provided, single submitter. Criteria: ACMG Guidelines, 2015. Collection method: clinical testing. Allele origin: unknown.

Natera, Inc.
Classification: Uncertain significance for Walker-Warburg congenital muscular dystrophy. Last evaluated: 2021-09-07. Review status: no assertion criteria provided. Collection method: clinical testing. Allele origin: germline. Not counted in ClinVar's aggregate classification.

NM_001079802.2(FKTN):c.711C>G (p.His237Gln)

Gene: FKTN (fukutin; plus strand). Cytogenetic location: 9q31.2.
Variant type: single nucleotide variant.
Coding change: c.711C>G on transcript NM_001079802.2 (MANE Select); coding-DNA position 711, C replaced by G.
Protein change: p.His237Gln; replaces histidine 237 with glutamine.
Molecular consequence: missense variant. On other transcripts: non-coding transcript variant (2).
Genome position (GRCh38, 1-based): chr9:105,607,882, C>G. VCF-style: chr9-105607882-C-G. GRCh37 (hg19) VCF-style: chr9-108370163-C-G.
Other names: c.711C>G, p.His237Gln (NM_001198963.2, NM_001351496.2, NM_001351498.2 and 1 more transcripts); c.642C>G, p.His214Gln (NM_001351497.2); c.315C>G, p.His105Gln (NM_001351499.2, NM_001351500.2, NM_001351501.2 and 1 more transcripts); short protein forms H214Q, H237Q, H105Q.
Identifiers: ClinVar variation 864257 (VCV000864257.13), dbSNP rs562170364, ClinGen allele CA197441437.
Genomic context (GRCh38, chr9:105,607,882, plus strand): 5'-AGAGTTACAGCAAGTTACTGTTGATGGACTGGAAGTTCTCATTCCAAAGGATCCAATGCA[C>G]TTTGTAGAAGAAGTACCACACTCTAGGTTTATTGAGTGTAGGTATAAAGAAGCTCGAGCA-3'
Protein context (NP_001073270.1, residues 227-247): LEVLIPKDPM[His237Gln]FVEEVPHSRF